The following is an entry in ClinVar:

NM_006432.5(NPC2):c.442-4A>C

Gene: NPC2 (NPC intracellular cholesterol transporter 2; minus strand). Cytogenetic location: 14q24.3.
Variant type: single nucleotide variant.
Coding change: c.442-4A>C on transcript NM_006432.5 (MANE Select); 4 bases into the intron before coding-DNA position 442, A replaced by C.
Molecular consequence: intron variant. On other transcripts: 3 prime UTR variant (1).
Genome position (GRCh38, 1-based): chr14:74,480,292, T>G on the plus strand (A>C on the coding strand, the complement: NPC2 is on the minus strand). VCF-style: chr14-74480292-T-G. GRCh37 (hg19) VCF-style: chr14-74946995-T-G.
Other names: c.*326A>C (NM_001363688.1); c.364-4A>C (NM_001375440.1).
Identifiers: ClinVar variation 197788 (VCV000197788.27), dbSNP rs114950106, ClinGen allele CA203088.

ClinVar aggregate classification (germline): Benign/Likely benign. Review status: criteria provided, multiple submitters, no conflicts (2 of 4 stars). 9 submissions from 9 submitters: Benign (3); Likely benign (2). 4 of the submissions do not count toward it. Last evaluated 2026-02-03.

Conditions:
Niemann-Pick disease, type C2 (NPC2). Identifiers: Orphanet 646, MedGen C1843366, MONDO:0011873, OMIM 607625.
Niemann-Pick disease, type C1. Also called: NEUROVISCERAL STORAGE DISEASE WITH VERTICAL SUPRANUCLEAR OPHTHALMOPLEGIA; NIEMANN-PICK DISEASE WITH CHOLESTEROL ESTERIFICATION BLOCK; NIEMANN-PICK DISEASE WITHOUT SPHINGOMYELINASE DEFICIENCY; NIEMANN-PICK DISEASE, CHRONIC NEURONOPATHIC FORM; NIEMANN-PICK DISEASE, VARIANT TYPE C1. Identifiers: Orphanet 646, MedGen C3179455, MONDO:0009757, OMIM 257220.

Allele frequency attached by ClinVar (database versions not stated): TOPMed 0.00698; gnomAD 0.00742; ESP Exome Variant Server 0.00800; 1000 Genomes Project 0.01617; 1000 Genomes Project 30x 0.01749.
gnomAD v4.1: 5,326 of 1,612,074 alleles (0.33%); highest among the groups gnomAD compares: South Asian, 3.4%; 119 homozygotes.

Submissions (9):

Labcorp Genetics (formerly Invitae), Labcorp
Classification: Benign for Niemann-Pick disease, type C2. Last evaluated: 2026-02-03. Review status: criteria provided, single submitter. Criteria: Invitae Variant Classification Sherloc (09022015). Collection method: clinical testing. Allele origin: germline.

GeneDx
Classification: Likely benign. Last evaluated: 2021-01-12. Review status: criteria provided, single submitter. Criteria: GeneDx Variant Classification Process June 2021. Collection method: clinical testing. Allele origin: germline. Affected: yes.

Illumina Laboratory Services, Illumina
Classification: Benign for Niemann-Pick disease type C1. Last evaluated: 2018-01-13. Review status: criteria provided, single submitter. Criteria: ICSL Variant Classification Criteria 13 December 2019. Collection method: clinical testing. Allele origin: germline.
Comment: This variant was observed in the ICSL laboratory as part of a predisposition screen in an ostensibly healthy population. It had not been previously curated by ICSL or reported in the Human Gene Mutation Database (HGMD: prior to June 1st, 2018), and was therefore a candidate for classification through an automated scoring system. Utilizing variant allele frequency, disease prevalence and penetrance estimates, and inheritance mode, an automated score was calculated to assess if this variant is too frequent to cause the disease. Based on the score and internal cut-off values, a variant classified as benign is not then subjected to further curation. The score for this variant resulted in a classification of benign for this disease.

Eurofins Ntd Llc (ga)
Classification: Benign. Last evaluated: 2014-05-21. Review status: criteria provided, single submitter. Criteria: EGL Classification Definitions 2015. Collection method: clinical testing. Allele origin: germline. Observed: 1 variant allele, 1 heterozygote.

Breakthrough Genomics
Classification: Likely benign. Review status: criteria provided, single submitter. Criteria: ACMG Guidelines, 2015. Collection method: not provided. Allele origin: germline. Inheritance: Autosomal recessive inheritance. Affected: yes.

Natera, Inc.
Classification: Benign for Niemann-Pick disease type C2. Last evaluated: 2020-09-16. Review status: no assertion criteria provided. Collection method: clinical testing. Allele origin: germline. Not counted in ClinVar's aggregate classification.

Mayo Clinic Laboratories, Mayo Clinic
Classification: Likely benign. Last evaluated: 2017-09-21. Review status: no assertion criteria provided. Collection method: clinical testing. Allele origin: unknown. Not counted in ClinVar's aggregate classification.

Clinical Genetics, Academic Medical Center
Classification: Benign. Review status: no assertion criteria provided. Collection method: clinical testing. Allele origin: germline. Affected: yes. Study: VKGL Data-share Consensus. Not counted in ClinVar's aggregate classification.

Genome Diagnostics Laboratory, Amsterdam University Medical Center
Classification: Likely benign. Review status: no assertion criteria provided. Collection method: clinical testing. Allele origin: germline. Affected: yes. Study: VKGL Data-share Consensus. Not counted in ClinVar's aggregate classification.